The following is an entry in ClinVar:

NM_001018005.2(TPM1):c.852A>G (p.Ile284Met)

Gene: TPM1 (tropomyosin 1; plus strand). Cytogenetic location: 15q22.2.
Variant type: single nucleotide variant.
Coding change: c.852A>G on transcript NM_001018005.2 (MANE Select); coding-DNA position 852, A replaced by G.
Protein change: p.Ile284Met; replaces isoleucine 284 with methionine.
Molecular consequence: missense variant. On other transcripts: 3 prime UTR variant (4), intron variant (10).
Genome position (GRCh38, 1-based): chr15:63,065,896, A>G. VCF-style: chr15-63065896-A-G. GRCh37 (hg19) VCF-style: chr15-63358095-A-G.
Other names: c.*45A>G (NM_000366.6, NM_001365779.1, NM_001407323.1 and 1 more transcripts); c.852A>G, p.Ile284Met (NM_001301244.2, NM_001407329.1, NM_001407331.1); c.744A>G, p.Ile248Met (NM_001330346.2, NM_001407344.1); c.773A>G, p.Asp258Gly (NM_001365777.1, NM_001407327.1, NM_001407328.1); c.665A>G, p.Asp222Gly (NM_001365780.1, NM_001407342.1); c.*1750A>G (NM_001365781.2, NM_001365782.1, NM_001407333.1 and 1 more transcripts); c.978A>G, p.Ile326Met (NM_001407322.1); c.898+3251A>G (NM_001365778.1); and 2 more; short protein forms I284M, D222G, D258G, I326M, I248M.
Identifiers: ClinVar variation 2160289 (VCV002160289.4), dbSNP rs759481997, ClinGen allele CA392725709.

ClinVar aggregate classification (germline): Uncertain significance (1 of 4 stars; one submission).

Conditions:
Hypertrophic cardiomyopathy. Also called: HYPERTROPHIC MYOCARDIOPATHY. Identifiers: Orphanet 217569, MedGen C0007194, MeSH D002312, MONDO:0005045, HP:0001639.

Allele frequency attached by ClinVar (database versions not stated): gnomAD 0.00002.
gnomAD v4.1: 7 of 1,603,046 alleles (0.00044%); highest among the groups gnomAD compares: Admixed American, 0.0068%; no homozygotes.

Submission:

Labcorp Genetics (formerly Invitae), Labcorp
Classification: Uncertain significance for Hypertrophic cardiomyopathy. Last evaluated: 2025-01-16. Review status: criteria provided, single submitter. Criteria: Invitae Variant Classification Sherloc (09022015). Collection method: clinical testing. Allele origin: germline.
Comment: This sequence change replaces isoleucine, which is neutral and non-polar, with methionine, which is neutral and non-polar, at codon 284 of the TPM1 protein (p.Ile284Met). This variant is present in population databases (no rsID available, gnomAD 0.003%). This variant has not been reported in the literature in individuals affected with TPM1-related conditions. ClinVar contains an entry for this variant (Variation ID: 2160289). An algorithm developed to predict the effect of missense changes on protein structure and function (PolyPhen-2) suggests that this variant is likely to be tolerated. In summary, the available evidence is currently insufficient to determine the role of this variant in disease. Therefore, it has been classified as a Variant of Uncertain Significance.